The following is an entry in ClinVar:

ClinVar aggregate classification (germline): Likely pathogenic. Review status: reviewed by expert panel (3 of 4 stars). 14 submissions from 14 submitters: Likely pathogenic (1). 13 of the submissions do not count toward it. Last evaluated 2026-09-22.

Conditions:
Leber congenital amaurosis 2 (LCA2). Also called: Autosomal Recessive RPE65-Related Retinal Degeneration; AMAUROSIS CONGENITA OF LEBER II. Identifiers: Orphanet 65, MedGen C1859844, MONDO:0008765, OMIM 204100. Disease mechanism: loss of function.
Retinitis pigmentosa 87 with choroidal involvement. Identifiers: MedGen C5231465, MONDO:0032873, OMIM 618697.
Retinitis pigmentosa 20 (RP20). Identifiers: Orphanet 791, MedGen C3151086, MONDO:0013425, OMIM 613794.
RPE65-related recessive retinopathy. Also called: Recessive RPE65 retinopathy. Identifiers: MedGen CN305526, MONDO:0100368.
RPE65-related disorder. Also called: RPE65-related condition; RPE65-related disorders. Identifiers: MedGen CN239301.
Leber congenital amaurosis (LCA). Also called: Leber's amaurosis. Identifiers: Orphanet 65, MedGen C0339527, MeSH D057130, MONDO:0018998.
Retinal disorder. Also called: Retinopathy; Retinal disorders; Retinopathies; Retinal Diseases. Identifiers: MedGen C0035309, MONDO:0005283, HP:0000488.

gnomAD v4.1: 7 of 1,613,640 alleles (0.00043%); highest among the groups gnomAD compares: South Asian, 0.0011%; no homozygotes.

Submissions 1 to 8 of 14:

ClinGen Leber Congenital Amaurosis/early Onset Retinal Dystrophy Variant Curation Expert Panel, ClinGen
Classification: Likely pathogenic for RPE65-related recessive retinopathy. Last evaluated: 2026-09-22. Review status: reviewed by expert panel. Criteria: ClinGen LCAeoRD ACMG Specifications RPE65 V1.0.0. Collection method: curation. Allele origin: germline. Inheritance: Autosomal recessive inheritance.
Comment: NM_000329.3(RPE65):c.1451G>A is a predicted missense variant substituting glycine by aspartic acid at position 484. The computational predictor REVEL gives a score of 0.984, which is above the ClinGen LCA / eoRD VCEP threshold of ≥0.773 and predicts a damaging effect on RPE65 function (PP3_Moderate). Additionally, the splicing impact predictor SpliceAI gives a score of 0.23, which is above the ClinGen LCA / eoRD VCEP recommended threshold of ≥ 0.2 and predicts a damaging impact on splicing. This variant is present in gnomAD v.4.1.1 at a GroupMax allele frequency of 0.00000183, with 6 / 1179702 total alleles in the European non-Finnish population, which is lower than the ClinGen LCA / eoRD VCEP PM2_Supporting threshold of <0.0002 (PM2_Supporting). This variant has been reported in least 2 unrelated probands with early-onset severe retinal dystrophy who were homozygous for the variant (1 point, PMID: 30025081, PM3). At least one proband harboring this variant exhibits a phenotype including congenital night blindness (0.5 pts), absent or severely decreased rod electroretinogram response (0.5 pts), abnormal cone ERG responses (1 pt), white dots on color photography in the context of severe retinal dysfunction (2 pts), poor pupillary light response (0.5 pts), pigmentary retinopathy with attenuated vessels (0.5 pts), decreased central visual acuity (1 pt), RPE mottling (0.5 pts), macular atrophy (0.5 pts), and symptomatic onset between birth and age five years (1 pt), which together are highly specific for RPE65-related recessive retinopathy (8 total points, PMID: 20811047, PP4_Moderate). In summary, this variant meets the criteria to be classified as likely pathogenic for RPE65-related recessive retinopathy based on the ACMG/AMP criteria applied, as specified by the ClinGen LCA/eoRD VCEP: PM2_Supporting, PM3, PP3_Moderate, and PP4_Moderate. (VCEP specifications version 1.0.0).

Natera, Inc.
Classification: Likely pathogenic for Leber congenital amaurosis. Last evaluated: 2025-12-30. Review status: criteria provided, single submitter. Criteria: Natera Variant Classification Schema (03/2026). Collection method: clinical testing. Allele origin: germline. Not counted in ClinVar's aggregate classification.
Comment: The c.1451G>A variant in RPE65 is a missense variant predicted to cause substitution of glycine to aspartic acid at amino acid 484. This variant is rare in the general population with a frequency below the threshold expected for the associated phenotype(s). This variant has been observed in one or more individuals affected with the associated recessive disease, as either homozygous or compound heterozygous with a second variant (PMID: 30025081, 32347917, 30653986). A different variant at the same position has been determined to be Pathogenic or Likely Pathogenic. Computational prediction algorithms indicate this variant is likely to affect gene or protein function. Given the available evidence, this variant is classified as Likely Pathogenic.

Genetics Laboratory, Great Ormond Street Hospital NHS Foundation Trust, North Thames Genomic Laboratory Hub
Classification: Likely pathogenic for Retinal disorders. Last evaluated: 2025-11-14. Review status: criteria provided, single submitter. Criteria: ACGS Best Practice Guidelines for Variant Classification in Rare Disease 2024 v1.2. Collection method: clinical testing. Allele origin: germline. Affected: yes. Not counted in ClinVar's aggregate classification.
Comment: PM2_moderate, PP3_supporting, PM3_moderate, PP4_supporting

Women's Health and Genetics/Laboratory Corporation of America, LabCorp
Classification: Pathogenic for Leber congenital amaurosis. Last evaluated: 2025-05-15. Review status: criteria provided, single submitter. Criteria: LabCorp Variant Classification Summary - May 2015. Collection method: clinical testing. Allele origin: germline. Not counted in ClinVar's aggregate classification.
Comment: Variant summary: RPE65 c.1451G>A (p.Gly484Asp) results in a non-conservative amino acid change in the encoded protein sequence. Algorithms developed to predict the effect of missense changes on protein structure and function all suggest that this variant is likely to be disruptive. Several computational tools predict a significant impact on normal splicing: One predicts the variant no significant impact on splicing. One predicts the variant abolishes a cryptic 5' donor site. Two predict the variant weakens a 3' acceptor site. However, these predictions have yet to be confirmed by functional studies. The variant allele was found at a frequency of 8e-06 in 248526 control chromosomes. c.1451G>A has been observed in the presumed compound heterozygous or homozygous state in multiple individuals affected with Leber Congenital Amaurosis/early onset retinal dystrophy (example, Weleber_2011, Kumaran_2018, internal data). These data indicate that the variant is very likely to be associated with disease. To our knowledge, no experimental evidence demonstrating an impact on protein function has been reported. The following publications have been ascertained in the context of this evaluation (PMID: 30653986, 30025081, 28130426, 34492281, 30268864, 30924848, 20811047). ClinVar contains an entry for this variant (Variation ID: 98848). Based on the evidence outlined above, the variant was classified as pathogenic.

Myriad Genetics, Inc.
Classification: Likely pathogenic for RPE65-related recessive retinopathy. Last evaluated: 2025-01-23. Review status: criteria provided, single submitter. Criteria: Myriad Autosomal Dominant, Autosomal Recessive and X-Linked Classification Criteria (2023). Collection method: clinical testing. Allele origin: unknown. Not counted in ClinVar's aggregate classification.
Comment: NM_000329.2(RPE65):c.1451G>A(G484D) is a missense variant classified as likely pathogenic in the context of inherited retinal dystrophy, RPE65-related. G484D has been observed in cases with relevant disease (PMID: 30025081, 30268864, 32347917, 38002999). Relevant functional assessments of this variant are not available in the literature. G484D has been observed in referenced population frequency databases. In summary, NM_000329.2(RPE65):c.1451G>A(G484D) is a missense variant that has been observed more frequently in cases with the relevant disease than in healthy populations. Please note: this variant was assessed in the context of healthy population screening.

Labcorp Genetics (formerly Invitae), Labcorp
Classification: Pathogenic for Leber congenital amaurosis 2; Retinitis pigmentosa 20. Last evaluated: 2024-09-03. Review status: criteria provided, single submitter. Criteria: Invitae Variant Classification Sherloc (09022015). Collection method: clinical testing. Allele origin: germline. Not counted in ClinVar's aggregate classification.
Comment: This sequence change replaces glycine, which is neutral and non-polar, with aspartic acid, which is acidic and polar, at codon 484 of the RPE65 protein (p.Gly484Asp). This variant is present in population databases (rs62653015, gnomAD 0.006%). This missense change has been observed in individual(s) with RPE65-related conditions (PMID: 20811047, 29332120, 30653986; internal data). In at least one individual the data is consistent with being in trans (on the opposite chromosome) from a pathogenic variant. ClinVar contains an entry for this variant (Variation ID: 98848). An algorithm developed to predict the effect of missense changes on protein structure and function (PolyPhen-2) suggests that this variant is likely to be disruptive. Algorithms developed to predict the effect of sequence changes on RNA splicing suggest that this variant may disrupt the consensus splice site. This variant disrupts the p.Gly484 amino acid residue in RPE65. Other variant(s) that disrupt this residue have been observed in individuals with RPE65-related conditions (PMID: 33308271), which suggests that this may be a clinically significant amino acid residue. For these reasons, this variant has been classified as Pathogenic.

Fulgent Genetics
Classification: Likely pathogenic for Leber congenital amaurosis 2; Retinitis pigmentosa 20; Retinitis pigmentosa 87 with choroidal involvement. Last evaluated: 2024-06-18. Review status: criteria provided, single submitter. Criteria: ACMG Guidelines, 2015. Collection method: clinical testing. Allele origin: germline. Not counted in ClinVar's aggregate classification.

Baylor Genetics
Classification: Likely pathogenic for Leber congenital amaurosis 2. Last evaluated: 2024-03-19. Review status: criteria provided, single submitter. Criteria: ACMG Guidelines, 2015. Collection method: clinical testing. Allele origin: unknown. Not counted in ClinVar's aggregate classification.

NM_000329.3(RPE65):c.1451G>A (p.Gly484Asp)

Gene: RPE65 (retinoid isomerohydrolase RPE65; minus strand). Cytogenetic location: 1p31.3.
Variant type: single nucleotide variant.
Coding change: c.1451G>A on transcript NM_000329.3 (MANE Select); coding-DNA position 1451, G replaced by A.
Protein change: p.Gly484Asp; replaces glycine 484 with aspartic acid.
Molecular consequence: missense variant.
Genome position (GRCh38, 1-based): chr1:68,429,927, C>T on the plus strand (G>A on the coding strand, the complement: RPE65 is on the minus strand). VCF-style: chr1-68429927-C-T. GRCh37 (hg19) VCF-style: chr1-68895610-C-T.
Other names: NM_000329.3(RPE65):c.1451G>A; p.Gly484Asp; short protein forms G484D.
Identifiers: ClinVar variation 98848 (VCV000098848.26), dbSNP rs62653015, ClinGen allele CA226517.
Genomic context (GRCh38, chr1:68,429,927, plus strand): 5'-ATCAGGAGATAAGCAGGCTTTTGTCCTGCTCCTGGGCTCACCACCACACTCAGAACTACA[C>T]CTGTTTATCAGAAGTAAATTAGGCAATATTGAGTTTTTAAAAGCCCAAGCTATAGATTGA-3'
Protein context (NP_000320.1, residues 474-494): SHPDALEEDD[Gly484Asp]VVLSVVVSPG